The following is an entry in ClinVar:

NM_178857.6(RP1L1):c.1863G>A (p.Ser621=)

Gene: RP1L1 (RP1 like 1). Cytogenetic location: 8p23.1.
Variant type: single nucleotide variant.
Coding change: c.1863G>A on transcript NM_178857.6 (MANE Select); coding-DNA position 1863, G replaced by A.
Protein change: p.Ser621=; no amino-acid change (serine 621 retained).
Molecular consequence: synonymous variant.
Genome position (GRCh38, 1-based): chr8:10,612,235, C>T on the plus strand (G>A on the coding strand, the complement: RP1L1 is on the minus strand). VCF-style: chr8-10612235-C-T. GRCh37 (hg19) VCF-style: chr8-10469745-C-T.
Other names: c.1863G>A (NM_178857.5).
Identifiers: ClinVar variation 3028034 (VCV003028034.3), dbSNP rs370097226, ClinGen allele CA4625032.

ClinVar aggregate classification (germline): Conflicting classifications of pathogenicity. Review status: criteria provided, conflicting classifications (1 of 4 stars). 3 submissions from 3 submitters: Uncertain significance (1); Likely benign (2). Last evaluated 2025-11-11.

Conditions:
Retinal dystrophy. Also called: Inherited retinal dystrophy. Identifiers: Orphanet 71862, MedGen C0854723, MeSH D058499, MONDO:0019118, HP:0000556.
RP1L1-related disorder. Also called: RP1L1-related condition.

Allele frequency attached by ClinVar (database versions not stated): gnomAD exomes 0.00002; gnomAD 0.00006; ExAC 0.00007; ESP Exome Variant Server 0.00008; TOPMed 0.00014; 1000 Genomes Project 30x 0.00016.
gnomAD v4.1: 45 of 1,613,220 alleles (0.0028%); highest among the groups gnomAD compares: Admixed American, 0.023%; no homozygotes.

Submissions (3):

PreventionGenetics, part of Exact Sciences
Classification: Likely benign for RP1L1-related condition. Last evaluated: 2025-11-11. Review status: criteria provided, single submitter. Criteria: ACMG Guidelines, 2015. Collection method: clinical testing. Allele origin: germline.
Comment: This variant is classified as likely benign based on ACMG/AMP sequence variant interpretation guidelines (Richards et al. 2015 PMID: 25741868, with internal and published modifications).

Blueprint Genetics
Classification: Likely benign. Last evaluated: 2024-09-11. Review status: criteria provided, single submitter. Criteria: ACMG Guidelines, 2015. Collection method: clinical testing. Allele origin: germline.

Dept Of Ophthalmology, Nagoya University
Classification: Uncertain significance for Retinal dystrophy. Last evaluated: 2023-10-01. Review status: criteria provided, single submitter. Criteria: Submitter's publication. Collection method: research. Allele origin: germline. Affected: yes.